The following is an entry in ClinVar:

NM_000287.4(PEX6):c.2579G>A (p.Arg860Gln)

Gene: PEX6 (peroxisomal biogenesis factor 6; minus strand). Cytogenetic location: 6p21.1.
Variant type: single nucleotide variant.
Coding change: c.2579G>A on transcript NM_000287.4 (MANE Select); coding-DNA position 2579, G replaced by A.
Protein change: p.Arg860Gln; replaces arginine 860 with glutamine.
Molecular consequence: missense variant. On other transcripts: non-coding transcript variant (1).
Genome position (GRCh38, 1-based): chr6:42,965,261, C>T on the plus strand (G>A on the coding strand, the complement: PEX6 is on the minus strand). VCF-style: chr6-42965261-C-T. GRCh37 (hg19) VCF-style: chr6-42932999-C-T.
Other names: c.2315G>A, p.Arg772Gln (NM_001316313.2); short protein forms R772Q, R860Q.
Identifiers: ClinVar variation 984940 (VCV000984940.15), dbSNP rs61753231, ClinGen allele CA3810989.

ClinVar aggregate classification (germline): Pathogenic/Likely pathogenic. Review status: criteria provided, multiple submitters, no conflicts (2 of 4 stars). 7 submissions from 7 submitters: Pathogenic (1); Likely pathogenic (6). Last evaluated 2025-10-22.

Conditions:
PEX6-related disorder. Also called: PEX6-related disorders; PEX6-related condition.
Peroxisome biogenesis disorder. Identifiers: Orphanet 79189, MedGen C1832200, MONDO:0019234. Disease mechanism: loss of function.
Zellweger spectrum disorders (ZS). Also called: Zellweger syndrome; Zellweger Spectrum Disorder (ZSD); Zellweger Spectrum Disorder; Zellweger Spectrum. Identifiers: Orphanet 912, MedGen C0043459, MONDO:0019609.
Heimler syndrome 2 (HMLR2). Also called: PEROXISOME BIOGENESIS DISORDER 4C. Identifiers: Orphanet 3220, MedGen C4225267, OMIM 616617, MONDO:0014709.
Peroxisome biogenesis disorder 4A (Zellweger) (PBD4A). Also called: Zellweger syndrome spectrum (PEX6-related). Identifiers: Orphanet 912, MedGen C3553936, MONDO:0013930, OMIM 614862. Disease mechanism: loss of function.
Peroxisome biogenesis disorder 4B (PBD4B). Also called: SPINOCEREBELLAR ATAXIA WITH BLINDNESS AND DEAFNESS 1. Identifiers: Orphanet 44, Orphanet 95433, MedGen C3553937, MONDO:0013931, OMIM 614863.

Allele frequency attached by ClinVar (database versions not stated): TOPMed below 0.00001; ExAC 0.00001; gnomAD exomes 0.00001 and 0.00002.

Submissions (7):

Labcorp Genetics (formerly Invitae), Labcorp
Classification: Likely pathogenic for Peroxisome biogenesis disorder. Last evaluated: 2025-10-22. Review status: criteria provided, single submitter. Criteria: Invitae Variant Classification Sherloc (09022015). Collection method: clinical testing. Allele origin: germline.
Comment: This sequence change replaces arginine, which is basic and polar, with glutamine, which is neutral and polar, at codon 860 of the PEX6 protein (p.Arg860Gln). This variant is present in population databases (rs61753231, gnomAD 0.006%). This missense change has been observed in individual(s) with Zellweger syndrome spectrum (PMID: 19105186). ClinVar contains an entry for this variant (Variation ID: 984940). Invitae Evidence Modeling of protein sequence and biophysical properties (such as structural, functional, and spatial information, amino acid conservation, physicochemical variation, residue mobility, and thermodynamic stability) indicates that this missense variant is expected to disrupt PEX6 protein function with a positive predictive value of 95%. This variant disrupts the p.Arg860 amino acid residue in PEX6. Other variant(s) that disrupt this residue have been determined to be pathogenic (internal data). This suggests that this residue is clinically significant, and that variants that disrupt this residue are likely to be disease-causing. In summary, the currently available evidence indicates that the variant is pathogenic, but additional data are needed to prove that conclusively. Therefore, this variant has been classified as Likely Pathogenic.

PreventionGenetics, part of Exact Sciences
Classification: Pathogenic for PEX6-related condition. Last evaluated: 2025-04-21. Review status: criteria provided, single submitter. Criteria: ACMG Guidelines, 2015. Collection method: clinical testing. Allele origin: germline.
Comment: The PEX6 c.2579G>A variant is predicted to result in the amino acid substitution p.Arg860Gln. This variant has been reported in at least two patients with Zellweger syndrome who also had an additional missense variant in PEX6. In one case, a splicing variant in PEX12 was also identified. Another variant affecting the same amino acid (c.2578C>T, p.Arg860Trp) has been reported in a patient with Zellweger syndrome, but an additional variant within PEX6 was not reported (Table 1, Patient 720, Yik et al. 2009. PubMed ID: 19105186). Functional studies support that this variant impacts PEX6 activity (Yik et al. 2009. PubMed ID: 19105186; Ebberink et al. 2010. PubMed ID: 19877282). This variant is reported in 0.0058% of alleles in individuals of Latino descent in gnomAD. This variant is interpreted as pathogenic.

Natera, Inc.
Classification: Likely pathogenic for Zellweger syndrome. Last evaluated: 2025-03-23. Review status: criteria provided, single submitter. Criteria: Natera Variant Classification Schema (03/2026). Collection method: clinical testing. Allele origin: germline.
Comment: The c.2579G>A variant in PEX6 is a missense variant predicted to cause substitution of arginine to glutamine at amino acid 860. This variant is rare in the general population with a frequency below the threshold expected for the associated phenotype(s). This variant has been observed in one or more individuals affected with the associated recessive disease, as either homozygous or compound heterozygous with a second variant (PMID: 19105186). A different variant at the same position has been determined to be Pathogenic or Likely Pathogenic. Computational prediction algorithms indicate this variant is likely to affect gene or protein function. Given the available evidence, this variant is classified as Likely Pathogenic.

GeneDx
Classification: Likely pathogenic. Last evaluated: 2024-11-22. Review status: criteria provided, single submitter. Criteria: GeneDx Variant Classification Process June 2021. Collection method: clinical testing. Allele origin: germline. Affected: yes.
Comment: In silico analysis supports that this missense variant has a deleterious effect on protein structure/function; Not observed at a significant frequency in large population cohorts (gnomAD); This variant is associated with the following publications: (PMID: 19877282, 25525159, 31374812, 19105186, 30846882)

Fulgent Genetics
Classification: Likely pathogenic for Peroxisome biogenesis disorder 4A (Zellweger); Peroxisome biogenesis disorder 4B; Heimler syndrome 2. Last evaluated: 2024-05-30. Review status: criteria provided, single submitter. Criteria: ACMG Guidelines, 2015. Collection method: clinical testing. Allele origin: germline.

Baylor Genetics
Classification: Likely pathogenic for Heimler syndrome 2. Last evaluated: 2023-05-09. Review status: criteria provided, single submitter. Criteria: ACMG Guidelines, 2015. Collection method: clinical testing. Allele origin: unknown.

Rady Children's Institute for Genomic Medicine, Rady Children's Hospital San Diego
Classification: Likely pathogenic for PEX6-Related Disorders. Last evaluated: 2019-11-19. Review status: criteria provided, single submitter. Criteria: ACMG Guidelines, 2015. Collection method: clinical testing. Allele origin: germline. Affected: yes.
Comment: This variant has been previously reported as a compound heterozygous change with a c.1802G>A (p.Arg601Gln) variant in a patient with peroxisome biogenesis disorder (Zellweger syndrome) (PMID: 19105186). It is present in the heterozygous state in the gnomAD population database at a frequency of 0.0020% (5/251,342) and thus is presumed to be rare. This variant has not been reported in ClinVar, but a different missense variant at the same amino acid residue c.2578C>T (p.Arg860Trp) has been classified as Pathogenic by an external laboratory (Variation ID: 492968). The c.2579G>A (p.Arg860Gln) variant affects a highly conserved amino acid and is predicted by multiple in silico tools to have a deleterious effect on protein function. Based on the available evidence, the c.2579G>A (p.Arg860Gln) variant is classified as Likely Pathogenic.

Literature cited by the submitters: PubMed 19105186 (cited by Labcorp Genetics (formerly Invitae), Labcorp and Natera, Inc.).